The following is an entry in ClinVar:

ClinVar aggregate classification (germline): Benign (0 of 4 stars; one submission).

Conditions:
BDH1-related disorder. Also called: BDH1-related condition.

Allele frequency attached by ClinVar (database versions not stated): 1000 Genomes Project 0.07808; 1000 Genomes Project 30x 0.07870; gnomAD 0.08244; TOPMed 0.08577; ESP Exome Variant Server 0.09065.
gnomAD v4.1: 108,911 of 1,603,446 alleles (6.8%); highest among the groups gnomAD compares: African/African-American, 15%; 4,235 homozygotes.

Submission:

PreventionGenetics, part of Exact Sciences
Classification: Benign for BDH1-related condition. Last evaluated: 2019-12-03. Review status: no assertion criteria provided. Collection method: clinical testing. Allele origin: germline.
Comment: This variant is classified as benign based on ACMG/AMP sequence variant interpretation guidelines (Richards et al. 2015 PMID: 25741868, with internal and published modifications).

NM_203314.3(BDH1):c.411C>G (p.Gly137=)

Gene: BDH1 (3-hydroxybutyrate dehydrogenase 1). Cytogenetic location: 3q29.
Variant type: single nucleotide variant.
Coding change: c.411C>G on transcript NM_203314.3 (MANE Select); coding-DNA position 411, C replaced by G.
Protein change: p.Gly137=; no amino-acid change (glycine 137 retained).
Molecular consequence: synonymous variant.
Genome position (GRCh38, 1-based): chr3:197,514,415, G>C on the plus strand (C>G on the coding strand, the complement: BDH1 is on the minus strand). VCF-style: chr3-197514415-G-C. GRCh37 (hg19) VCF-style: chr3-197241286-G-C.
Other names: c.411C>G, p.Gly137= (NM_004051.5, NM_203315.3).
Identifiers: ClinVar variation 3055320 (VCV003055320.2), dbSNP rs35089738, ClinGen allele CA2786165.
Genomic context (GRCh38, chr3:197,514,415, plus strand): 5'-GCTGGTGAACTCCACCTCCCCGAACGTTGAGATGCCGGCATTGTTAACGAGGCCCCACAT[G>C]CCTGGACAGGAGAGGGATAGATGTGCATTTACCACATGGGCTTGGCCCAGACATTGCCCA-3'
Protein context (NP_976059.1, residues 127-147): VRSSLKDPEK[Gly137=]MWGLVNNAGI